The following is an entry in ClinVar:

ClinVar aggregate classification (germline): Uncertain significance (1 of 4 stars; one submission).

Conditions:
Inborn genetic diseases. Identifiers: MedGen C0950123, MeSH D030342.

gnomAD v4.1: 1 of 1,614,028 alleles (0.000062%); highest among the groups gnomAD compares: South Asian, 0.0011%; no homozygotes.

Submission:

Ambry Genetics
Classification: Uncertain significance for Inborn genetic diseases. Last evaluated: 2025-01-22. Review status: criteria provided, single submitter. Criteria: Ambry Variant Classification Scheme 2023. Collection method: clinical testing. Allele origin: germline.
Comment: The p.Q1074E variant (also known as c.3220C>G), located in coding exon 13 of the ASXL1 gene, results from a C to G substitution at nucleotide position 3220. The glutamine at codon 1074 is replaced by glutamic acid, an amino acid with highly similar properties. This amino acid position is conserved. In addition, this alteration is predicted to be tolerated by in silico analysis. Based on the available evidence, the clinical significance of this variant remains unclear.

NM_015338.6(ASXL1):c.3220C>G (p.Gln1074Glu)

Gene: ASXL1 (ASXL transcriptional regulator 1; plus strand). Cytogenetic location: 20q11.21.
Variant type: single nucleotide variant.
Coding change: c.3220C>G on transcript NM_015338.6 (MANE Select); coding-DNA position 3220, C replaced by G.
Protein change: p.Gln1074Glu; replaces glutamine 1074 with glutamic acid.
Molecular consequence: missense variant.
Genome position (GRCh38, 1-based): chr20:32,435,932, C>G. VCF-style: chr20-32435932-C-G. GRCh37 (hg19) VCF-style: chr20-31023735-C-G.
Other names: c.3037C>G, p.Gln1013Glu (NM_001363734.1); short protein forms Q1013E, Q1074E.
Identifiers: ClinVar variation 3792640 (VCV003792640.1).
Genomic context (GRCh38, chr20:32,435,932, plus strand): 5'-ACAAGGACAGATGGGATGGTTGCTCCTCAGAGCTGGGTGTCTCGAGTATGTGCGGTCCGC[C>G]AAAAGATCCCAGATTCCCTACTGCTGGCCAGTACTGAGTACCAGCCAAGAGCCGTGTGCC-3'
Protein context (NP_056153.2, residues 1064-1084): SWVSRVCAVR[Gln1074Glu]KIPDSLLLAS